The following is an entry in ClinVar:

ClinVar aggregate classification (germline): Uncertain significance. Review status: criteria provided, multiple submitters, no conflicts (2 of 4 stars). 2 submissions from 2 submitters: Uncertain significance (2). Last evaluated 2024-05-11.

Conditions:
Inborn genetic diseases. Identifiers: MedGen C0950123, MeSH D030342.
Mosaic variegated aneuploidy syndrome 1 (MVA1). Also called: Warburton-Anyane-Yeboa syndrome. Identifiers: Orphanet 1052, MedGen C1850343, MONDO:0009759, OMIM 257300.

Allele frequency attached by ClinVar (database versions not stated): ExAC 0.00001.

Submissions (2):

Ambry Genetics
Classification: Uncertain significance for Inborn genetic diseases. Last evaluated: 2024-05-11. Review status: criteria provided, single submitter. Criteria: Ambry Variant Classification Scheme 2023. Collection method: clinical testing. Allele origin: germline.
Comment: The p.N363S variant (also known as c.1088A>G), located in coding exon 9 of the BUB1B gene, results from an A to G substitution at nucleotide position 1088. The asparagine at codon 363 is replaced by serine, an amino acid with highly similar properties. This amino acid position is conserved. In addition, this alteration is predicted to be tolerated by in silico analysis. Since supporting evidence is limited at this time, the clinical significance of this alteration remains unclear.

Labcorp Genetics (formerly Invitae), Labcorp
Classification: Uncertain significance for Mosaic variegated aneuploidy syndrome 1. Last evaluated: 2022-02-08. Review status: criteria provided, single submitter. Criteria: Invitae Variant Classification Sherloc (09022015). Collection method: clinical testing. Allele origin: germline.
Comment: In summary, the available evidence is currently insufficient to determine the role of this variant in disease. Therefore, it has been classified as a Variant of Uncertain Significance. Algorithms developed to predict the effect of missense changes on protein structure and function are either unavailable or do not agree on the potential impact of this missense change (SIFT: "Tolerated"; PolyPhen-2: "Probably Damaging"; Align-GVGD: "Class C0"). This variant has not been reported in the literature in individuals affected with BUB1B-related conditions. This variant is present in population databases (rs745991501, gnomAD 0.006%). This sequence change replaces asparagine, which is neutral and polar, with serine, which is neutral and polar, at codon 363 of the BUB1B protein (p.Asn363Ser).

NM_001211.6(BUB1B):c.1088A>G (p.Asn363Ser)

Gene: BUB1B (BUB1 mitotic checkpoint serine/threonine kinase B; plus strand). Cytogenetic location: 15q15.1.
Variant type: single nucleotide variant.
Coding change: c.1088A>G on transcript NM_001211.6 (MANE Select); coding-DNA position 1088, A replaced by G.
Protein change: p.Asn363Ser; replaces asparagine 363 with serine.
Molecular consequence: missense variant.
Genome position (GRCh38, 1-based): chr15:40,196,574, A>G. VCF-style: chr15-40196574-A-G. GRCh37 (hg19) VCF-style: chr15-40488775-A-G.
Other names: short protein forms N363S.
Identifiers: ClinVar variation 1788146 (VCV001788146.8), dbSNP rs745991501, ClinGen allele CA7475659.